The following is an entry in ClinVar:

ClinVar aggregate classification (germline): Uncertain significance. Review status: criteria provided, multiple submitters, no conflicts (2 of 4 stars). 14 submissions from 11 submitters: Uncertain significance (13). 1 of the submissions does not count toward it. Last evaluated 2026-01-13.

Conditions:
Cardiac arrhythmia. Also called: Arrhythmia; Cardiac rhythm disease. Identifiers: MedGen C0003811, MONDO:0007263, HP:0011675.
Cardiovascular phenotype. Identifiers: MedGen CN230736.
KCNQ1-related disorder. Also called: KCNQ1-related condition; KCNQ1-related disorders. Identifiers: MedGen CN239322.
Familial long QT syndrome (RWS). Also called: Congenital long QT syndrome; Romano-Ward syndrome; VENTRICULAR FIBRILLATION WITH PROLONGED QT INTERVAL. Identifiers: Orphanet 768, MedGen C1141890, MONDO:0019171.
Atrial fibrillation, familial, 3 (ATFB3). Identifiers: MedGen C1837014, MONDO:0011857, OMIM 607554.
Long QT syndrome 1 (LQT1). Identifiers: Orphanet 101016, Orphanet 768, MedGen C4551647, MONDO:0100316, OMIM 192500, MONDO:0008646.
Beckwith-Wiedemann syndrome (BWS). Also called: Exomphalos macroglossia gigantism syndrome; EMG SYNDROME. Identifiers: Orphanet 116, MedGen C0004903, MONDO:0007534, OMIM 130650.
Jervell and Lange-Nielsen syndrome 1 (JLNS1). Also called: CARDIOAUDITORY SYNDROME OF JERVELL AND LANGE-NIELSEN; DEAFNESS, CONGENITAL, AND FUNCTIONAL HEART DISEASE; PROLONGED QT INTERVAL IN EKG AND SUDDEN DEATH; SURDO-CARDIAC SYNDROME. Identifiers: Orphanet 768, Orphanet 90647, MedGen C4551509, MONDO:0024540, OMIM 220400.
Short QT syndrome type 2. Identifiers: Orphanet 51083, MedGen C1865019, MONDO:0012313, OMIM 609621.
Long QT syndrome (LQTS). Identifiers: MedGen C0023976, MeSH D008133, MONDO:0002442. Disease mechanism: loss of function. Inheritance: Various modes of inheritance.

Allele frequency attached by ClinVar (database versions not stated): ExAC 0.00007; gnomAD 0.00005; gnomAD exomes 0.00008 and 0.00002; TOPMed 0.00003.
gnomAD v4.1: 115 of 1,579,432 alleles (0.0073%); highest among the groups gnomAD compares: Non-Finnish European, 0.0093%; no homozygotes.

Submissions (14):

Labcorp Genetics (formerly Invitae), Labcorp
Classification: Uncertain significance for Long QT syndrome. Last evaluated: 2026-01-13. Review status: criteria provided, single submitter. Criteria: Invitae Variant Classification Sherloc (09022015). Collection method: clinical testing. Allele origin: germline.
Comment: This sequence change replaces glycine, which is neutral and non-polar, with arginine, which is basic and polar, at codon 635 of the KCNQ1 protein (p.Gly635Arg). The frequency data for this variant in the population databases is considered unreliable, as metrics indicate poor data quality at this position in the gnomAD database. This missense change has been observed in individual(s) with clinical features of KCNQ1-related conditions (PMID: 19716085, 34930020, 37937776). ClinVar contains an entry for this variant (Variation ID: 67062). Invitae Evidence Modeling of protein sequence and biophysical properties (such as structural, functional, and spatial information, amino acid conservation, physicochemical variation, residue mobility, and thermodynamic stability) indicates that this missense variant is not expected to disrupt KCNQ1 protein function with a negative predictive value of 95%. Experimental studies are conflicting or provide insufficient evidence to determine the effect of this variant on KCNQ1 function (PMID: 34930020). In summary, the available evidence is currently insufficient to determine the role of this variant in disease. Therefore, it has been classified as a Variant of Uncertain Significance.

Ambry Genetics
Classification: Uncertain significance for Cardiovascular phenotype. Last evaluated: 2025-12-18. Review status: criteria provided, single submitter. Criteria: Ambry Variant Classification Scheme 2023. Collection method: clinical testing. Allele origin: germline.
Comment: The c.1903G>A (p.G635R) alteration is located in exon 16 (coding exon 16) of the KCNQ1 gene. This alteration results from a G to A substitution at nucleotide position 1903, causing the glycine (G) at amino acid position 635 to be replaced by an arginine (R). Based on data from gnomAD, the A allele has an overall frequency of 0.002% (4/222516) total alleles studied. The highest observed frequency was 0.005% (1/19504) of African alleles. Based on insufficient or conflicting evidence, the clinical significance of this alteration remains unclear.

GeneDx
Classification: Uncertain significance. Last evaluated: 2025-09-25. Review status: criteria provided, single submitter. Criteria: GeneDx Variant Classification Process June 2021. Collection method: clinical testing. Allele origin: germline. Affected: yes.
Comment: Reported in association with LQTS and HCM in the published literature; additional clinical details were not provided (PMID: 19716085, 25351510, 37937776); Not observed at significant frequency in large population cohorts (gnomAD); In silico analysis suggests that this missense variant does not alter protein structure/function; This variant is associated with the following publications: (PMID: 19716085, 25854863, 21956039, 22581653, 34930020, 37937776, 25351510)

PreventionGenetics, part of Exact Sciences
Classification: Uncertain significance for KCNQ1-related condition. Last evaluated: 2025-08-27. Review status: criteria provided, single submitter. Criteria: ACMG Guidelines, 2015. Collection method: clinical testing. Allele origin: germline.
Comment: The KCNQ1 c.1903G>A variant is predicted to result in the amino acid substitution p.Gly635Arg. This variant was reported in an individual with long QT syndrome or arrhythmia (Table S1, Kapplinger et al. 2009. PubMed ID: 19716085; File S2, Glazer et al. 2021. PubMed ID: 34930020; Table S16, Jensson et al. 2023. PubMed ID: 37937776). This variant is reported in 0.0051% of alleles in individuals of African descent in gnomAD. At this time, the clinical significance of this variant is uncertain due to the absence of conclusive functional and genetic evidence.

Color Diagnostics, LLC DBA Color Health
Classification: Uncertain significance for Cardiac arrhythmia. Last evaluated: 2024-09-23. Review status: criteria provided, single submitter. Criteria: ACMG Guidelines, 2015. Collection method: clinical testing. Allele origin: germline.
Comment: This missense variant replaces glycine with arginine at codon 635 of the KCNQ1 protein. Computational prediction is inconclusive regarding the impact of this variant on protein structure and function. To our knowledge, functional studies have not been reported for this variant. A functional study has shown that this variant results in a reduced peak current density (PMID: 34930020). This variant has been reported in two individuals suspected of having long QT syndrome (PMID: 19716085), in an individual affected with hypertrophic cardiomyopathy (PMID: 25351510), and in an individual affected with atrial fibrillation (PMID: 34930020). This variant has been identified in 4/222516 chromosomes in the general population by the Genome Aggregation Database (gnomAD). The available evidence is insufficient to determine the role of this variant in disease conclusively. Therefore, this variant is classified as a Variant of Uncertain Significance.

All of Us Research Program, National Institutes of Health
Classification: Uncertain significance for Long QT syndrome. Last evaluated: 2024-01-11. Review status: criteria provided, single submitter. Criteria: ACMG Guidelines, 2015. Collection method: clinical testing. Allele origin: germline. Inheritance: Autosomal dominant inheritance. Observed: 11 variant alleles, 11 heterozygotes.
Comment: This missense variant replaces glycine with arginine at codon 635 of the KCNQ1 protein. Computational prediction is inconclusive regarding the impact of this variant on protein structure and function (internally defined REVEL score threshold 0.5 < inconclusive < 0.7, PMID: 27666373). To our knowledge, functional studies have not been reported for this variant. An experimental functional study has shown that this variant results in a reduced peak current density (PMID: 34930020). This variant has been reported in two individuals suspected to be affected with long QT syndrome (PMID: 19716085), in an individual affected with hypertrophic cardiomyopathy (PMID: 25351510), and in an individual affected with atrial fibrillation (PMID: 34930020). This variant has been identified in 4/222516 chromosomes in the general population by the Genome Aggregation Database (gnomAD). The available evidence is insufficient to determine the role of this variant in disease conclusively. Therefore, this variant is classified as a Variant of Uncertain Significance.

This study involves interpretation of variants in research participants for the purpose of population health screening. Participant phenotype was not available at the time of variant classification. Additional details can be found in publication PMID: 35346344, PMCID: PMC8962531

AiLife Diagnostics
Classification: Uncertain significance. Last evaluated: 2021-09-20. Review status: criteria provided, single submitter. Criteria: ACMG Guidelines, 2015. Collection method: clinical testing. Allele origin: germline. Affected: yes. Observed: 2 variant alleles.

Fulgent Genetics
Classification: Uncertain significance for Beckwith-Wiedemann syndrome; Long QT syndrome 1; Jervell and Lange-Nielsen syndrome 1; Atrial fibrillation, familial, 3; Short QT syndrome type 2. Last evaluated: 2021-09-02. Review status: criteria provided, single submitter. Criteria: ACMG Guidelines, 2015. Collection method: clinical testing. Allele origin: unknown.

Illumina Laboratory Services, Illumina
Classification: Uncertain significance for Long QT syndrome 1. Last evaluated: 2017-04-28. Review status: criteria provided, single submitter. Criteria: ICSL Variant Classification Criteria 13 December 2019. Collection method: clinical testing. Allele origin: germline.
Comment: This variant was observed as part of a predisposition screen in an ostensibly healthy population. A literature search was performed for the gene, cDNA change, and amino acid change (where applicable). Publications were found based on this search. However, the evidence from the literature, in combination with allele frequency data from public databases where available, was not sufficient to rule this variant in or out of causing disease. Therefore, this variant is classified as a variant of unknown significance.

Illumina Laboratory Services, Illumina
Classification: Uncertain significance for Short QT syndrome type 2. Last evaluated: 2017-04-28. Review status: criteria provided, single submitter. Criteria: ICSL Variant Classification Criteria 13 December 2019. Collection method: clinical testing. Allele origin: germline.

Illumina Laboratory Services, Illumina
Classification: Uncertain significance for Jervell and Lange-Nielsen syndrome 1. Last evaluated: 2017-04-28. Review status: criteria provided, single submitter. Criteria: ICSL Variant Classification Criteria 13 December 2019. Collection method: clinical testing. Allele origin: germline.

Illumina Laboratory Services, Illumina
Classification: Uncertain significance for Atrial fibrillation, familial, 3. Last evaluated: 2017-04-28. Review status: criteria provided, single submitter. Criteria: ICSL Variant Classification Criteria 13 December 2019. Collection method: clinical testing. Allele origin: germline.

Laboratory for Molecular Medicine, Mass General Brigham Personalized Medicine
Classification: Uncertain significance. Last evaluated: 2016-10-20. Review status: criteria provided, single submitter. Criteria: LMM Criteria. Collection method: clinical testing. Allele origin: germline.
Comment: Variant identified in a genome or exome case(s) and assessed due to predicted null impact of the variant or pathogenic assertions in the literature or databases. Disclaimer: This variant has not undergone full assessment. The following are preliminary notes: Only reported in 2-3 probands with LQT, variant aa present in other mammals

Cardiovascular Biomedical Research Unit, Royal Brompton & Harefield NHS Foundation Trust
No classification provided. Condition: Familial long QT syndrome. Review status: no classification provided. Collection method: literature only. Allele origin: germline. Not counted in ClinVar's aggregate classification.
Comment: This variant has been reported as associated with Long QT syndrome in the following publications (PMID:19716085). This is a literature report, and does not necessarily reflect the clinical interpretation of the Imperial College / Royal Brompton Cardiovascular Genetics laboratory.

Literature cited by the submitters: PubMed 19716085 (cited by 6 submitters); PubMed 34930020 (cited by 3 submitters); PubMed 37937776 (cited by Labcorp Genetics (formerly Invitae), Labcorp); PubMed 25351510 (cited by Color Diagnostics, LLC DBA Color Health and All of Us Research Program, National Institutes of Health); PubMed 22581653 (cited by Cardiovascular Biomedical Research Unit, Royal Brompton & Harefield NHS Foundation Trust).

NM_000218.3(KCNQ1):c.1903G>A (p.Gly635Arg)

Genes: KCNQ1 (potassium voltage-gated channel subfamily Q member 1; plus strand), KCNQ1-AS1 (KCNQ1 antisense RNA 1; minus strand). Cytogenetic location: 11p15.4.
Variant type: single nucleotide variant.
Coding change: c.1903G>A on transcript NM_000218.3 (MANE Select); coding-DNA position 1903, G replaced by A.
Protein change: p.Gly635Arg; replaces glycine 635 with arginine.
Molecular consequence: missense variant.
Genome position (GRCh38, 1-based): chr11:2,847,875, G>A. VCF-style: chr11-2847875-G-A. GRCh37 (hg19) VCF-style: chr11-2869105-G-A.
Other names: p.G635R:GGG>AGG; c.1903G>A (LRG_287t1); c.1807G>A, p.Gly603Arg (NM_001406836.1); c.1633G>A, p.Gly545Arg (NM_001406837.1); c.1363G>A, p.Gly455Arg (NM_001406838.1); c.415G>A, p.Gly139Arg (NM_001406839.1); c.1522G>A, p.Gly508Arg (NM_181798.2); short protein forms G635R, G508R, G603R, G139R, G455R, G545R.
Identifiers: ClinVar variation 67062 (VCV000067062.31), dbSNP rs199473484, ClinGen allele CA006589.
Genomic context (GRCh38, chr11:2,847,875, plus strand): 5'-CAGCTGCTCTCCTTGCACGGTGGCAGCACCCCCGGCAGCGGCGGCCCCCCCAGAGAGGGC[G>A]GGGCCCACATCACCCAGCCCTGCGGCAGTGGCGGCTCCGTCGACCCTGAGCTCTTCCTGC-3'
Protein context (NP_000209.2, residues 625-645): PGSGGPPREG[Gly635Arg]AHITQPCGSG